The following is an entry in ClinVar:

ClinVar aggregate classification (germline): Uncertain significance. Review status: criteria provided, single submitter (1 of 4 stars). 2 submissions from 2 submitters: Uncertain significance (1). 1 of the submissions does not count toward it. Last evaluated 2021-12-08.

Conditions:
Afibrinogenemia. Identifiers: Orphanet 200418, MedGen C0001733, MeSH D000347, HP:0034287.

Submissions (2):

Centre of Medical Genetics, University Hospital Muenster
Classification: Uncertain significance. Last evaluated: 2021-12-08. Review status: criteria provided, single submitter. Criteria: ACMG Guidelines, 2015. Collection method: clinical testing. Allele origin: unknown. Affected: yes. Observed: 1 variant allele, 1 heterozygote.
Comment: ACMG categories: PM1,PM2,PP3

ISTH-SSC Genomics in Thrombosis and Hemostasis, KU Leuven, Center for Molecular and Vascular Biology
Classification: Likely pathogenic for Afibrinogenemia. Review status: no assertion criteria provided. Collection method: clinical testing. Allele origin: unknown. Affected: yes. Not counted in ClinVar's aggregate classification.
Comment: Submitted to GoldVariant by Prof Kathleen Freson from Center for Molecular and Vascular Biology, Leuven, Belgium

NM_021870.3(FGG):c.1190C>T (p.Thr397Ile)

Gene: FGG (fibrinogen gamma chain; minus strand). Cytogenetic location: 4q32.1.
Variant type: single nucleotide variant.
Coding change: c.1190C>T on transcript NM_021870.3 (MANE Select); coding-DNA position 1190, C replaced by T.
Protein change: p.Thr397Ile; replaces threonine 397 with isoleucine.
Molecular consequence: missense variant.
Genome position (GRCh38, 1-based): chr4:154,605,006, G>A on the plus strand (C>T on the coding strand, the complement: FGG is on the minus strand). VCF-style: chr4-154605006-G-A. GRCh37 (hg19) VCF-style: chr4-155526158-G-A.
Other names: c.1190C>T, p.Thr397Ile (NM_000509.6); short protein forms T397I.
Identifiers: ClinVar variation 1684485 (VCV001684485.4), dbSNP rs1731071910, ClinGen allele CA358535369.